The following is an entry in ClinVar:

ClinVar aggregate classification (germline): Likely pathogenic (1 of 4 stars; one submission).

Conditions:
Neurodevelopmental disorder with hypotonia and variable intellectual and behavioral abnormalities. Identifiers: MedGen C5231423, MONDO:0032829, OMIM 618603.

Submission:

Greenwood Genetic Center Diagnostic Laboratories, Greenwood Genetic Center
Classification: Likely pathogenic for Neurodevelopmental disorder with hypotonia and variable intellectual and behavioral abnormalities. Last evaluated: 2023-08-23. Review status: criteria provided, single submitter. Criteria: ACMG Guidelines, 2015. Collection method: clinical testing. Allele origin: germline. Affected: yes.
Comment: PS2, PM2, PP2

NM_000937.5(POLR2A):c.742A>T (p.Met248Leu)

Gene: POLR2A (RNA polymerase II subunit A; plus strand). Cytogenetic location: 17p13.1.
Variant type: single nucleotide variant.
Coding change: c.742A>T on transcript NM_000937.5 (MANE Select); coding-DNA position 742, A replaced by T.
Protein change: p.Met248Leu; replaces methionine 248 with leucine.
Molecular consequence: missense variant.
Genome position (GRCh38, 1-based): chr17:7,496,968, A>T. VCF-style: chr17-7496968-A-T. GRCh37 (hg19) VCF-style: chr17-7400287-A-T.
Other names: short protein forms M248L.
Identifiers: ClinVar variation 2626901 (VCV002626901.1), dbSNP rs2070531732, ClinGen allele CA397863859.
Genomic context (GRCh38, chr17:7,496,968, plus strand): 5'-ATCTCAGATGAGGAGTGTTTTGTGCTGGGCATGGAGCCCCGCTATGCACGGCCAGAGTGG[A>T]TGATTGTCACAGTGCTGCCTGTGCCCCCGCTCTCCGTGCGGCCTGCTGTTGTGATGCAGG-3'
Protein context (NP_000928.1, residues 238-258): MEPRYARPEW[Met248Leu]IVTVLPVPPL